The following is an entry in ClinVar:

NM_001164508.2(NEB):c.2956C>T (p.Gln986Ter)

Gene: NEB (nebulin; minus strand). Cytogenetic location: 2q23.3.
Variant type: single nucleotide variant.
Coding change: c.2956C>T on transcript NM_001164508.2 (MANE Select); coding-DNA position 2956, C replaced by T.
Protein change: p.Gln986Ter; replaces glutamine 986 with a stop codon.
Molecular consequence: nonsense.
Genome position (GRCh38, 1-based): chr2:151,680,816, G>A on the plus strand (C>T on the coding strand, the complement: NEB is on the minus strand). VCF-style: chr2-151680816-G-A. GRCh37 (hg19) VCF-style: chr2-152537330-G-A.
Other names: c.2956C>T, p.Gln986Ter (NM_001164507.2, NM_001271208.2, NM_004543.5); short protein forms Q986*.
Identifiers: ClinVar variation 1724271 (VCV001724271.2), dbSNP rs2552264019, ClinGen allele CA348821168.
Genomic context (GRCh38, chr2:151,680,816, plus strand): 5'-TAGACTGTACTGTAATTGGAGCATCTTCAATCGAGGTAAACTTGAGGGTGTCTGGATGTT[G>A]GCGATATTTTTTCTGTTTGGCAAATCAAAAAGAGAAAAACAATCTTGTTTTCCACTGAAG-3'

ClinVar aggregate classification (germline): Likely pathogenic (1 of 4 stars; one submission).

Conditions:
Nemaline myopathy 2 (NEM2). Also called: Nemaline myopathy 2, autosomal recessive. Identifiers: MedGen C1850569, MONDO:0009725, OMIM 256030.

Submission:

Myriad Genetics, Inc.
Classification: Likely pathogenic for Nemaline myopathy 2. Last evaluated: 2022-02-02. Review status: criteria provided, single submitter. Criteria: Myriad Women's Health Autosomal Recessive and X-Linked Classification Criteria (2021). Collection method: clinical testing. Allele origin: unknown.
Comment: NM_001271208.1(NEB):c.2956C>T(Q986*) is expected to be pathogenic in the context of NEB-related nemaline myopathy. This variant is predicted to lead to an abnormal or absent protein product due to the creation of a premature termination codon in NEB, a gene where loss-of-function variants are known to be pathogenic. Please note: this variant was assessed in the context of healthy population screening.